The following is an entry in ClinVar:

NM_001035.3(RYR2):c.13229T>C (p.Val4410Ala)

Genes: RYR2 (ryanodine receptor 2; plus strand), LOC126806068 (BRD4-independent group 4 enhancer GRCh37_chr1:237947411-237948610; plus strand). Cytogenetic location: 1q43.
Variant type: single nucleotide variant.
Coding change: c.13229T>C on transcript NM_001035.3 (MANE Select); coding-DNA position 13229, T replaced by C.
Protein change: p.Val4410Ala; replaces valine 4410 with alanine.
Molecular consequence: missense variant.
Genome position (GRCh38, 1-based): chr1:237,784,941, T>C. VCF-style: chr1-237784941-T-C. GRCh37 (hg19) VCF-style: chr1-237948241-T-C.
Other names: short protein forms V4410A.
Identifiers: ClinVar variation 1446877 (VCV001446877.12), dbSNP rs748604898, ClinGen allele CA085313.
Genomic context (GRCh38, chr1:237,784,941, plus strand): 5'-AGTACAAACTGATTCCTCATAATCCAAATGCTGGGCTCAGTGACCTCATGAGCAACCCAG[T>C]CCCCATGCCTGAGGTGCAGGAAAAATTTCAGGTAATTTATCTCTAAGTCACAGCAGCATT-3'
Protein context (NP_001026.2, residues 4400-4420): AGLSDLMSNP[Val4410Ala]PMPEVQEKFQ

ClinVar aggregate classification (germline): Conflicting classifications of pathogenicity. Review status: criteria provided, conflicting classifications (1 of 4 stars). 3 submissions from 3 submitters: Uncertain significance (1); Likely benign (2). Last evaluated 2025-12-19.

Conditions:
Catecholaminergic polymorphic ventricular tachycardia 1. Also called: VENTRICULAR TACHYCARDIA, STRESS-INDUCED POLYMORPHIC 1; VENTRICULAR TACHYCARDIA, CATECHOLAMINERGIC POLYMORPHIC, 1, WITH OR WITHOUT ATRIAL DYSFUNCTION AND/OR DILATED CARDIOMYOPATHY; RYR2-Related Catecholaminergic Polymorphic Ventricular Tachycardia. Identifiers: Orphanet 3286, MedGen C1631597, MONDO:0011484, OMIM 604772.
Cardiovascular phenotype. Identifiers: MedGen CN230736.
Cardiomyopathy (CMYO). Also called: Cardiomyopathies. Identifiers: Orphanet 167848, MedGen C0878544, MONDO:0004994, HP:0001638. Inheritance: Various modes of inheritance.

Allele frequency attached by ClinVar (database versions not stated): gnomAD exomes below 0.00001; TOPMed below 0.00001; ExAC 0.00002.
gnomAD v4.1: 2 of 1,602,714 alleles (0.00012%); highest among the groups gnomAD compares: Non-Finnish European, 0.00017%; no homozygotes.

Submissions (3):

Labcorp Genetics (formerly Invitae), Labcorp
Classification: Uncertain significance for Catecholaminergic polymorphic ventricular tachycardia 1. Last evaluated: 2025-12-19. Review status: criteria provided, single submitter. Criteria: Invitae Variant Classification Sherloc (09022015). Collection method: clinical testing. Allele origin: germline.
Comment: This sequence change replaces valine, which is neutral and non-polar, with alanine, which is neutral and non-polar, at codon 4410 of the RYR2 protein (p.Val4410Ala). This variant is present in population databases (rs748604898, gnomAD 0.001%). This variant has not been reported in the literature in individuals affected with RYR2-related conditions. ClinVar contains an entry for this variant (Variation ID: 1446877). Invitae Evidence Modeling of protein sequence and biophysical properties (such as structural, functional, and spatial information, amino acid conservation, physicochemical variation, residue mobility, and thermodynamic stability) indicates that this missense variant is not expected to disrupt RYR2 protein function with a negative predictive value of 95%. In summary, the available evidence is currently insufficient to determine the role of this variant in disease. Therefore, it has been classified as a Variant of Uncertain Significance.

Color Diagnostics, LLC DBA Color Health
Classification: Likely benign for Cardiomyopathy. Last evaluated: 2025-08-14. Review status: criteria provided, single submitter. Criteria: ACMG Guidelines, 2015. Collection method: clinical testing. Allele origin: germline.

Ambry Genetics
Classification: Likely benign for Cardiovascular phenotype. Last evaluated: 2025-05-02. Review status: criteria provided, single submitter. Criteria: Ambry Variant Classification Scheme 2023. Collection method: clinical testing. Allele origin: germline.